The following is an entry in ClinVar:

ClinVar aggregate classification (germline): Uncertain significance (1 of 4 stars; one submission).

Conditions:
Glycogen storage disease, type II (IOPD). Also called: GLYCOGENOSIS, GENERALIZED, CARDIAC FORM; GSD II; Glycogen storage disease type 2; Acid maltase deficiency disease; Aglucosidase alfa; Deficiency of alpha-glucosidase. Identifiers: Orphanet 365, MedGen C0017921, MONDO:0009290, OMIM 232300.

Submission:

Foundation for Research in Genetics and Endocrinology, FRIGE's Institute of Human Genetics
Classification: Uncertain significance for Glycogen storage disease, type II. Last evaluated: 2021-10-27. Review status: criteria provided, single submitter. Criteria: ACMG Guidelines, 2015. Collection method: clinical testing. Allele origin: germline. Inheritance: Autosomal recessive inheritance. Affected: yes. Observed: 1 heterozygote.
Comment: A heterozygous missense variation in exon 10 of the GAA gene that results in the amino acid substitution of Proline for Threonine at codon 485 was detected. The observed variant c.1453A>C (p.Thr485Pro) has not been reported in the 1000 genomes and gnomAD databases. The in silico prediction of the variant are probably damaging by PolyPhen-2 and damaging by SIFT ,LRT and MutationTaster2. The reference codon is conserved across primates. In summary, the variant meets our criteria to be classified as a variant of uncertain significance.

NM_000152.5(GAA):c.1453A>C (p.Thr485Pro)

Gene: GAA (alpha glucosidase; plus strand). Cytogenetic location: 17q25.3.
Variant type: single nucleotide variant.
Coding change: c.1453A>C on transcript NM_000152.5 (MANE Select); coding-DNA position 1453, A replaced by C.
Protein change: p.Thr485Pro; replaces threonine 485 with proline.
Molecular consequence: missense variant.
Genome position (GRCh38, 1-based): chr17:80,110,742, A>C. VCF-style: chr17-80110742-A-C. GRCh37 (hg19) VCF-style: chr17-78084541-A-C.
Other names: p.Thr485Pro; c.1453A>C, p.Thr485Pro (NM_001079803.3, NM_001079804.3); short protein forms T485P.
Identifiers: ClinVar variation 1342180 (VCV001342180.4), dbSNP rs1337100943, ClinGen allele CA401366821.